The following is an entry in ClinVar:

ClinVar aggregate classification (germline): Uncertain significance (1 of 4 stars; one submission).

Conditions:
Hereditary cancer-predisposing syndrome. Also called: Tumor predisposition; Hereditary neoplastic syndrome; Hereditary Cancer Syndrome; Neoplastic Syndromes, Hereditary. Identifiers: Orphanet 140162, MedGen C0027672, MeSH D009386, MONDO:0015356.

Allele frequency attached by ClinVar (database versions not stated): gnomAD exomes 0.00001.
gnomAD v4.1: 4 of 1,612,962 alleles (0.00025%); highest among the groups gnomAD compares: South Asian, 0.0044%; no homozygotes.

Submission:

Ambry Genetics
Classification: Uncertain significance for Hereditary cancer-predisposing syndrome. Last evaluated: 2023-11-22. Review status: criteria provided, single submitter. Criteria: Ambry Variant Classification Scheme 2023. Collection method: clinical testing. Allele origin: germline.
Comment: The p.A41V variant (also known as c.122C>T), located in coding exon 1 of the PRKAR1A gene, results from a C to T substitution at nucleotide position 122. The alanine at codon 41 is replaced by valine, an amino acid with similar properties. This amino acid position is conserved. In addition, this alteration is predicted to be tolerated by in silico analysis. Since supporting evidence is limited at this time, the clinical significance of this alteration remains unclear.

NM_002734.5(PRKAR1A):c.122C>T (p.Ala41Val)

Gene: PRKAR1A (protein kinase cAMP-dependent type I regulatory subunit alpha; plus strand). Cytogenetic location: 17q24.2.
Variant type: single nucleotide variant.
Coding change: c.122C>T on transcript NM_002734.5 (MANE Select); coding-DNA position 122, C replaced by T.
Protein change: p.Ala41Val; replaces alanine 41 with valine.
Molecular consequence: missense variant.
Genome position (GRCh38, 1-based): chr17:68,515,521, C>T. VCF-style: chr17-68515521-C-T. GRCh37 (hg19) VCF-style: chr17-66511662-C-T.
Other names: c.122C>T, p.Ala41Val (NM_001276289.2, NM_001276290.1, NM_001278433.2 and 4 more transcripts); short protein forms A41V.
Identifiers: ClinVar variation 3222759 (VCV003222759.1), dbSNP rs1460961845, ClinGen allele CA400752015.